The following is an entry in ClinVar:

ClinVar aggregate classification (germline): Uncertain significance. Review status: criteria provided, multiple submitters, no conflicts (2 of 4 stars). 4 submissions from 4 submitters: Uncertain significance (3). 1 of the submissions does not count toward it. Last evaluated 2026-07-29.

Conditions:
Inborn genetic diseases. Identifiers: MedGen C0950123, MeSH D030342.
Congenital myasthenic syndrome (CMS). Also called: Congenital Myasthenic Syndromes. Identifiers: Orphanet 590, MedGen C0751882, MeSH D020294, MONDO:0018940.
Congenital myasthenic syndrome 4A. Also called: MYASTHENIC SYNDROME, CONGENITAL, 4A, SLOW-CHANNEL, AUTOSOMAL RECESSIVE; Myasthenic syndrome, congenital, 4a, slow-channel; CONGENITAL MYASTHENIC SYNDROME TYPE Ia1. Identifiers: Orphanet 590, MedGen C4225413, MONDO:0011600, OMIM 605809.

Allele frequency attached by ClinVar (database versions not stated): TOPMed 0.00001.
gnomAD v4.1: 1 of 1,614,054 alleles (0.000062%); highest among the groups gnomAD compares: Non-Finnish European, 0.000085%; no homozygotes.

Submissions (4):

Ambry Genetics
Classification: Uncertain significance for Inborn genetic diseases. Last evaluated: 2026-07-29. Review status: criteria provided, single submitter. Criteria: Ambry Variant Classification Scheme 2023. Collection method: clinical testing. Allele origin: germline.

Blueprint Genetics
Classification: Uncertain significance. Last evaluated: 2023-10-19. Review status: criteria provided, single submitter. Criteria: ACMG Guidelines, 2015. Collection method: clinical testing. Allele origin: germline.

Labcorp Genetics (formerly Invitae), Labcorp
Classification: Uncertain significance for Congenital myasthenic syndrome 4A. Last evaluated: 2021-09-01. Review status: criteria provided, single submitter. Criteria: Invitae Variant Classification Sherloc (09022015). Collection method: clinical testing. Allele origin: germline.
Comment: This sequence change replaces aspartic acid with tyrosine at codon 79 of the CHRNE protein (p.Asp79Tyr). The aspartic acid residue is weakly conserved and there is a large physicochemical difference between aspartic acid and tyrosine. This variant is not present in population databases (ExAC no frequency). This variant has not been reported in the literature in individuals affected with CHRNE-related conditions. Algorithms developed to predict the effect of missense changes on protein structure and function are either unavailable or do not agree on the potential impact of this missense change (SIFT: "Deleterious"; PolyPhen-2: "Probably Damaging"; Align-GVGD: "Class C0"). Algorithms developed to predict the effect of sequence changes on RNA splicing suggest that this variant may disrupt the consensus splice site. In summary, the available evidence is currently insufficient to determine the role of this variant in disease. Therefore, it has been classified as a Variant of Uncertain Significance.

Natera, Inc.
Classification: Uncertain significance for Congenital myasthenic syndrome. Last evaluated: 2021-02-19. Review status: no assertion criteria provided. Collection method: clinical testing. Allele origin: germline. Not counted in ClinVar's aggregate classification.

NM_000080.4(CHRNE):c.235G>T (p.Asp79Tyr)

Genes: C17orf107 (chromosome 17 open reading frame 107; plus strand), CHRNE (cholinergic receptor nicotinic epsilon subunit; minus strand). Cytogenetic location: 17p13.2.
Variant type: single nucleotide variant.
Coding change: c.235G>T on transcript NM_000080.4 (MANE Select); coding-DNA position 235, G replaced by T.
Protein change: p.Asp79Tyr; replaces aspartic acid 79 with tyrosine.
Molecular consequence: missense variant. On other transcripts: 3 prime UTR variant (1).
Genome position (GRCh38, 1-based): chr17:4,902,326, C>A on the plus strand (G>T on the coding strand, the complement: CHRNE is on the minus strand). VCF-style: chr17-4902326-C-A. GRCh37 (hg19) VCF-style: chr17-4805621-C-A.
Other names: c.*1793C>A (NM_001145536.2); short protein forms D79Y.
Identifiers: ClinVar variation 858675 (VCV000858675.10), dbSNP rs1200020913, ClinGen allele CA397307377.